The following is an entry in ClinVar:

ClinVar aggregate classification (germline): Likely benign. Review status: criteria provided, multiple submitters, no conflicts (2 of 4 stars). 2 submissions from 2 submitters: Likely benign (2). Last evaluated 2024-03-24.

Conditions:
RYR1-related disorder. Also called: RYR1-related condition; RYR1-related disorders. Identifiers: MedGen CN239331.
Malignant hyperthermia, susceptibility to, 1 (MHS1). Also called: RYR1-Related Malignant Hyperthermia Susceptibility; Malignant hyperthermia suceptibility 1; Anesthesia related hyperthermia; Malignant hyperpyrexia; Fulminating hyperpyrexia; Pharmacogenic myopathy. Identifiers: Orphanet 423, MedGen C2930980, MONDO:0007783, OMIM 145600.

Allele frequency attached by ClinVar (database versions not stated): TOPMed below 0.00001; gnomAD 0.00001.
gnomAD v4.1: 1 of 1,614,076 alleles (0.000062%); highest among the groups gnomAD compares: African/African-American, 0.0013%; no homozygotes.

Submissions (2):

All of Us Research Program, National Institutes of Health
Classification: Likely benign for Malignant hyperthermia, susceptibility to, 1. Last evaluated: 2024-03-24. Review status: criteria provided, single submitter. Criteria: ACMG Guidelines, 2015. Collection method: clinical testing. Allele origin: germline. Inheritance: Autosomal dominant inheritance. Observed: 1 variant allele, 1 heterozygote.
Comment: This study involves interpretation of variants in research participants for the purpose of population health screening. Participant phenotype was not available at the time of variant classification. Additional details can be found in publication PMID: 35346344, PMCID: PMC8962531

Labcorp Genetics (formerly Invitae), Labcorp
Classification: Likely benign for RYR1-related disorder. Last evaluated: 2024-03-20. Review status: criteria provided, single submitter. Criteria: Invitae Variant Classification Sherloc (09022015). Collection method: clinical testing. Allele origin: germline.

NM_000540.3(RYR1):c.11481C>T (p.Phe3827=)

Gene: RYR1 (ryanodine receptor 1; plus strand). Cytogenetic location: 19q13.2.
Variant type: single nucleotide variant.
Coding change: c.11481C>T on transcript NM_000540.3 (MANE Select); coding-DNA position 11481, C replaced by T.
Protein change: p.Phe3827=; no amino-acid change (phenylalanine 3827 retained).
Molecular consequence: synonymous variant.
Genome position (GRCh38, 1-based): chr19:38,535,357, C>T. VCF-style: chr19-38535357-C-T. GRCh37 (hg19) VCF-style: chr19-39025997-C-T.
Other names: c.11466C>T, p.Phe3822= (NM_001042723.2).
Identifiers: ClinVar variation 1133765 (VCV001133765.10), dbSNP rs1230581832, ClinGen allele CA507239133.
Genomic context (GRCh38, chr19:38,535,357, plus strand): 5'-CCTGCCTCGCCCTCTGCAGAAAATGCTGGATTATCTTAAGGACAAGAAGGAAGTTGGCTT[C>T]TTCCAGAGTATCCAGGCACTGATGCAAACATGCAGGTAGGTTCGAGTGGACCTCTTCTTG-3'
Protein context (NP_000531.2, residues 3817-3837): DYLKDKKEVG[Phe3827=]FQSIQALMQT